The following is an entry in ClinVar:

ClinVar aggregate classification (germline): Uncertain significance (1 of 4 stars; one submission).

Conditions:
COG1 congenital disorder of glycosylation (CDG2G). Also called: CONGENITAL DISORDER OF GLYCOSYLATION, TYPE IIg; CDG IIg; CDGII/COG1 CEREBROCOSTOMANDIBULAR-LIKE SYNDROME. Identifiers: Orphanet 263508, MedGen C2931011, MONDO:0012637, OMIM 611209.

Allele frequency attached by ClinVar (database versions not stated): ExAC 0.00001; gnomAD exomes 0.00001 and 0.00002; gnomAD 0.00002 and 0.00003.
gnomAD v4.1: 17 of 1,614,116 alleles (0.0011%); highest among the groups gnomAD compares: East Asian, 0.0045%; no homozygotes.

Submission:

Labcorp Genetics (formerly Invitae), Labcorp
Classification: Uncertain significance for COG1 congenital disorder of glycosylation. Last evaluated: 2022-02-09. Review status: criteria provided, single submitter. Criteria: Invitae Variant Classification Sherloc (09022015). Collection method: clinical testing. Allele origin: germline.
Comment: This sequence change replaces threonine, which is neutral and polar, with methionine, which is neutral and non-polar, at codon 964 of the COG1 protein (p.Thr964Met). This variant is present in population databases (rs767105962, gnomAD 0.005%). This variant has not been reported in the literature in individuals affected with COG1-related conditions. Algorithms developed to predict the effect of missense changes on protein structure and function are either unavailable or do not agree on the potential impact of this missense change (SIFT: "Deleterious"; PolyPhen-2: "Possibly Damaging"; Align-GVGD: "Class C0"). In summary, the available evidence is currently insufficient to determine the role of this variant in disease. Therefore, it has been classified as a Variant of Uncertain Significance.

NM_018714.3(COG1):c.2891C>T (p.Thr964Met)

Genes: VCF1 (VCP nuclear cofactor family member 1; minus strand), COG1 (component of oligomeric golgi complex 1; plus strand). Cytogenetic location: 17q25.1.
Variant type: single nucleotide variant.
Coding change: c.2891C>T on transcript NM_018714.3 (MANE Select); coding-DNA position 2891, C replaced by T.
Protein change: p.Thr964Met; replaces threonine 964 with methionine.
Molecular consequence: missense variant. On other transcripts: 3 prime UTR variant (5).
Genome position (GRCh38, 1-based): chr17:73,208,399, C>T. VCF-style: chr17-73208399-C-T. GRCh37 (hg19) VCF-style: chr17-71204538-C-T.
Other names: c.*1130G>A (NM_001098832.2, NM_001289412.2, NM_032837.3); c.*1279G>A (NM_001289410.1, NM_001289411.1); short protein forms T964M.
Identifiers: ClinVar variation 1417436 (VCV001417436.5), dbSNP rs767105962, ClinGen allele CA8740700.